The following is an entry in ClinVar:

ClinVar aggregate classification (germline): Conflicting classifications of pathogenicity. Review status: criteria provided, conflicting classifications (1 of 4 stars). 2 submissions from 2 submitters: Uncertain significance (1); Likely benign (1). Last evaluated 2025-05-30.

Allele frequency attached by ClinVar (database versions not stated): gnomAD 0.00006; TOPMed 0.00010; ExAC 0.00013; 1000 Genomes Project 0.00020; 1000 Genomes Project 30x 0.00031.
gnomAD v4.1: 104 of 1,586,840 alleles (0.0066%); highest among the groups gnomAD compares: Middle Eastern, 0.066%; no homozygotes.

Submissions (2):

Labcorp Genetics (formerly Invitae), Labcorp
Classification: Uncertain significance. Last evaluated: 2025-05-30. Review status: criteria provided, single submitter. Criteria: Invitae Variant Classification Sherloc (09022015). Collection method: clinical testing. Allele origin: germline.
Comment: This sequence change replaces threonine, which is neutral and polar, with alanine, which is neutral and non-polar, at codon 3 of the RPS28 protein (p.Thr3Ala). This variant is present in population databases (rs553982085, gnomAD 0.04%). This variant has not been reported in the literature in individuals affected with RPS28-related conditions. ClinVar contains an entry for this variant (Variation ID: 2916205). An algorithm developed to predict the effect of missense changes on protein structure and function (PolyPhen-2) suggests that this variant is likely to be tolerated. In summary, the available evidence is currently insufficient to determine the role of this variant in disease. Therefore, it has been classified as a Variant of Uncertain Significance.

Blueprint Genetics
Classification: Likely benign. Last evaluated: 2024-01-30. Review status: criteria provided, single submitter. Criteria: ACMG Guidelines, 2015. Collection method: clinical testing. Allele origin: germline.

NM_001031.5(RPS28):c.7A>G (p.Thr3Ala)

Gene: RPS28 (ribosomal protein S28; plus strand). Cytogenetic location: 19p13.2.
Variant type: single nucleotide variant.
Coding change: c.7A>G on transcript NM_001031.5 (MANE Select); coding-DNA position 7, A replaced by G.
Protein change: p.Thr3Ala; replaces threonine 3 with alanine.
Molecular consequence: missense variant.
Genome position (GRCh38, 1-based): chr19:8,321,537, A>G. VCF-style: chr19-8321537-A-G. GRCh37 (hg19) VCF-style: chr19-8386421-A-G.
Other names: short protein forms T3A.
Identifiers: ClinVar variation 2916205 (VCV002916205.4), dbSNP rs553982085, ClinGen allele CA9155124.
Genomic context (GRCh38, chr19:8,321,537, plus strand): 5'-GCTCTCCCCGAAGCACGTGACTCCTCTCCGCCAGACCGCCGCCGCGCCGCCATCATGGAC[A>G]CCAGCCGTGTGCAGCCTATCAAGCTGGCCAGGGTGAGGTGGGGGCCCGAATTTGGGGGCA-3'
Protein context (NP_001022.1, residues 1-13): MD[Thr3Ala]SRVQPIKLAR